The following is an entry in ClinVar:

NM_001370658.1(BTD):c.1543C>T (p.Leu515Phe)

Gene: BTD (biotinidase; plus strand). Cytogenetic location: 3p25.1.
Variant type: single nucleotide variant.
Coding change: c.1543C>T on transcript NM_001370658.1 (MANE Select); coding-DNA position 1543, C replaced by T.
Protein change: p.Leu515Phe; replaces leucine 515 with phenylalanine.
Molecular consequence: missense variant. On other transcripts: intron variant (2).
Genome position (GRCh38, 1-based): chr3:15,645,459, C>T. VCF-style: chr3-15645459-C-T. GRCh37 (hg19) VCF-style: chr3-15686966-C-T.
Other names: c.1603C>T, p.Leu535Phe (NM_000060.4); c.1543C>T, p.Leu515Phe (NM_001281723.4, NM_001281724.3, NM_001281725.3 and 16 more transcripts); c.1015+528C>T (NM_001370752.1); c.399+3402C>T (NM_001370753.1); short protein forms L515F.
Identifiers: ClinVar variation 439034 (VCV000439034.12), dbSNP rs771537277, ClinGen allele CA351962544.

ClinVar aggregate classification (germline): Conflicting classifications of pathogenicity. Review status: criteria provided, conflicting classifications (1 of 4 stars). 2 submissions from 2 submitters: Pathogenic (1); Uncertain significance (1). Last evaluated 2023-02-07.

Conditions:
Biotinidase deficiency. Also called: BTD deficiency; Late-onset biotin-responsive multiple carboxylase deficiency; Biotin deficiency. Identifiers: Orphanet 79241, MedGen C0220754, MONDO:0009665, OMIM 253260.

gnomAD v4.1: 2 of 1,610,682 alleles (0.00012%); highest among the groups gnomAD compares: Non-Finnish European, 0.00017%; no homozygotes.

Submissions (2):

Labcorp Genetics (formerly Invitae), Labcorp
Classification: Pathogenic for Biotinidase deficiency. Last evaluated: 2023-02-07. Review status: criteria provided, single submitter. Criteria: Invitae Variant Classification Sherloc (09022015). Collection method: clinical testing. Allele origin: germline.
Comment: For these reasons, this variant has been classified as Pathogenic. This variant disrupts the p.Leu535 amino acid residue in BTD. Other variant(s) that disrupt this residue have been determined to be pathogenic (PMID: 26361991; Invitae). This suggests that this residue is clinically significant, and that variants that disrupt this residue are likely to be disease-causing. Advanced modeling of protein sequence and biophysical properties (such as structural, functional, and spatial information, amino acid conservation, physicochemical variation, residue mobility, and thermodynamic stability) performed at Invitae indicates that this missense variant is expected to disrupt BTD protein function. ClinVar contains an entry for this variant (Variation ID: 439034). This missense change has been observed in individual(s) with biotinidase deficiency (Invitae). It has also been observed to segregate with disease in related individuals. This variant is not present in population databases (gnomAD no frequency). This sequence change replaces leucine, which is neutral and non-polar, with phenylalanine, which is neutral and non-polar, at codon 535 of the BTD protein (p.Leu535Phe).

Quest Diagnostics Nichols Institute San Juan Capistrano
Classification: Uncertain significance. Last evaluated: 2016-11-10. Review status: criteria provided, single submitter. Criteria: Quest Diagnostics criteria. Collection method: clinical testing. Allele origin: germline.

Literature cited by the submitters: PubMed 26361991 (cited by Labcorp Genetics (formerly Invitae), Labcorp).